The following is an entry in ClinVar:

ClinVar aggregate classification (germline): Uncertain significance (1 of 4 stars; one submission).

Conditions:
Perlman syndrome (PRLMNS). Identifiers: Orphanet 2849, MedGen C0796113, MONDO:0009965, OMIM 267000.

Submission:

Labcorp Genetics (formerly Invitae), Labcorp
Classification: Uncertain significance for Perlman syndrome. Last evaluated: 2022-11-26. Review status: criteria provided, single submitter. Criteria: Invitae Variant Classification Sherloc (09022015). Collection method: clinical testing. Allele origin: germline.
Comment: In summary, the available evidence is currently insufficient to determine the role of this variant in disease. Therefore, it has been classified as a Variant of Uncertain Significance. Algorithms developed to predict the effect of missense changes on protein structure and function (SIFT, PolyPhen-2, Align-GVGD) all suggest that this variant is likely to be tolerated. ClinVar contains an entry for this variant (Variation ID: 1058401). This variant has not been reported in the literature in individuals affected with DIS3L2-related conditions. This variant is not present in population databases (gnomAD no frequency). This sequence change replaces serine, which is neutral and polar, with asparagine, which is neutral and polar, at codon 161 of the DIS3L2 protein (p.Ser161Asn).

NM_152383.5(DIS3L2):c.482G>A (p.Ser161Asn)

Gene: DIS3L2 (DIS3 like 3'-5' exoribonuclease 2; plus strand). Cytogenetic location: 2q37.1.
Variant type: single nucleotide variant.
Coding change: c.482G>A on transcript NM_152383.5 (MANE Select); coding-DNA position 482, G replaced by A.
Protein change: p.Ser161Asn; replaces serine 161 with asparagine.
Molecular consequence: missense variant. On other transcripts: non-coding transcript variant (2).
Genome position (GRCh38, 1-based): chr2:232,087,602, G>A. VCF-style: chr2-232087602-G-A. GRCh37 (hg19) VCF-style: chr2-232952312-G-A.
Other names: c.482G>A, p.Ser161Asn (NM_001257281.2, NM_001257282.2); short protein forms S161N.
Identifiers: ClinVar variation 1058401 (VCV001058401.9), dbSNP rs2106309474, ClinGen allele CA351155075.